The following is an entry in ClinVar:

NM_005670.4(EPM2A):c.193G>A (p.Glu65Lys)

Genes: EPM2A-DT (EPM2A divergent transcript; plus strand), EPM2A (EPM2A glucan phosphatase, laforin; minus strand), LOC129997381 (ATAC-STARR-seq lymphoblastoid silent region 17642; plus strand). Cytogenetic location: 6q24.3.
Variant type: single nucleotide variant.
Coding change: c.193G>A on transcript NM_005670.4 (MANE Select); coding-DNA position 193, G replaced by A.
Protein change: p.Glu65Lys; replaces glutamic acid 65 with lysine.
Molecular consequence: missense variant. On other transcripts: 5 prime UTR variant (3), intron variant (1).
Genome position (GRCh38, 1-based): chr6:145,735,306, C>T on the plus strand (G>A on the coding strand, the complement: EPM2A is on the minus strand). VCF-style: chr6-145735306-C-T. GRCh37 (hg19) VCF-style: chr6-146056442-C-T.
Other names: p.E65K:GAG>AAG; c.193G>A, p.Glu65Lys (NM_001018041.2, NM_001360057.2, NM_001368130.1); c.-477G>A (NM_001360071.2); c.-431G>A (NM_001368129.2); c.-175G>A (NM_001368131.1); c.-114+602G>A (NM_001360064.2); short protein forms E65K.
Identifiers: ClinVar variation 205432 (VCV000205432.9), dbSNP rs796052425, ClinGen allele CA314496.

ClinVar aggregate classification (germline): Uncertain significance. Review status: criteria provided, multiple submitters, no conflicts (2 of 4 stars). 2 submissions from 2 submitters: Uncertain significance (2). Last evaluated 2021-08-27.

Conditions:
Progressive myoclonic epilepsy. Also called: Myoclonic Epilepsies, Progressive; Familial progressive myoclonic epilepsy; Myoclonus epilepsy; Progressive myoclonus epilepsy. Identifiers: Orphanet 308, Orphanet 98261, MedGen C0751778, MONDO:0020074.

Allele frequency attached by ClinVar (database versions not stated): gnomAD 0.00001; gnomAD exomes 0.00001 and 0.00002; TOPMed 0.00002.
gnomAD v4.1: 5 of 1,471,048 alleles (0.00034%); highest among the groups gnomAD compares: Admixed American, 0.0089%; no homozygotes.

Submissions (2):

Labcorp Genetics (formerly Invitae), Labcorp
Classification: Uncertain significance for Progressive myoclonic epilepsy. Last evaluated: 2021-08-27. Review status: criteria provided, single submitter. Criteria: Invitae Variant Classification Sherloc (09022015). Collection method: clinical testing. Allele origin: germline.
Comment: This sequence change replaces glutamic acid with lysine at codon 65 of the EPM2A protein (p.Glu65Lys). The glutamic acid residue is moderately conserved and there is a small physicochemical difference between glutamic acid and lysine. The frequency data for this variant in the population databases is considered unreliable, as metrics indicate insufficient coverage at this position in the ExAC database. This variant has not been reported in the literature in individuals affected with EPM2A-related conditions. ClinVar contains an entry for this variant (Variation ID: 205432). Algorithms developed to predict the effect of missense changes on protein structure and function are either unavailable or do not agree on the potential impact of this missense change (SIFT: "Tolerated"; PolyPhen-2: "Possibly Damaging"; Align-GVGD: "Class C0"). In summary, the available evidence is currently insufficient to determine the role of this variant in disease. Therefore, it has been classified as a Variant of Uncertain Significance.

GeneDx
Classification: Uncertain significance. Last evaluated: 2017-12-28. Review status: criteria provided, single submitter. Criteria: GeneDx Variant Classification (06012015). Collection method: clinical testing. Allele origin: germline. Affected: yes.
Comment: p.Glu65Lys (GAG>AAG): c.193 G>A in exon 1 of the EPM2A gene (NM_005670.3). The Glu65Lys missense change has not been published as a mutation, nor has it been reported as a benign polymorphism to our knowledge. It was not observed in approximately 5,400 individuals of European and African American ancestry in the NHLBI Exome Sequencing Project, indicating it is not a common benign variant in these populations. The amino acid substitution is non-conservative as a negatively charged Glutamic acid residue is replaced by a positively charged Lysine residue. Glu65Lys alters a conserved position in mammals in the CBM20 domain of the EPM2A protein and other missense mutations in this domain have been reported in association with Lafora disease. However, this position is not well conserved in related proteins throughout evolution and in-silico algorithms are not consistent in their predictions of whether Glu65Lys is damaging to the structure/function of the protein. Therefore, based on the currently available information, it is unclear whether Glu65Lys is a disease-causing mutation or a rare benign variant. The variant is found in EPILEPSY panel(s).